The following is an entry in ClinVar:

NM_000540.3(RYR1):c.1858A>T (p.Ile620Phe)

Gene: RYR1 (ryanodine receptor 1; plus strand). Cytogenetic location: 19q13.2.
Variant type: single nucleotide variant.
Coding change: c.1858A>T on transcript NM_000540.3 (MANE Select); coding-DNA position 1858, A replaced by T.
Protein change: p.Ile620Phe; replaces isoleucine 620 with phenylalanine.
Molecular consequence: missense variant.
Genome position (GRCh38, 1-based): chr19:38,457,563, A>T. VCF-style: chr19-38457563-A-T. GRCh37 (hg19) VCF-style: chr19-38948203-A-T.
Other names: c.1858A>T, p.Ile620Phe (NM_001042723.2); short protein forms I620F.
Identifiers: ClinVar variation 580640 (VCV000580640.8), dbSNP rs1568450508, ClinGen allele CA405693963.
Genomic context (GRCh38, chr19:38,457,563, plus strand): 5'-GACGTGCTATGCTCCCTGTGTGTGTGTAATGGTGTGGCTGTACGCTCCAACCAAGATCTT[A>T]TTACTGAGAACTTGCTGCCTGGCCGTGAGCTTCTGCTGCAGACAAACCTCATCAACTATG-3'
Protein context (NP_000531.2, residues 610-630): GVAVRSNQDL[Ile620Phe]TENLLPGREL

ClinVar aggregate classification (germline): Uncertain significance (1 of 4 stars; one submission).

Conditions:
RYR1-related disorder. Also called: RYR1-related disorders; RYR1-related condition. Identifiers: MedGen CN239331.

Submission:

Labcorp Genetics (formerly Invitae), Labcorp
Classification: Uncertain significance for RYR1-related disorder. Last evaluated: 2018-02-02. Review status: criteria provided, single submitter. Criteria: Invitae Variant Classification Sherloc (09022015). Collection method: clinical testing. Allele origin: germline.
Comment: In summary, the available evidence is currently insufficient to determine the role of this variant in disease. Therefore, it has been classified as a Variant of Uncertain Significance. Algorithms developed to predict the effect of missense changes on protein structure and function do not agree on the potential impact of this missense change (SIFT: "Deleterious"; PolyPhen-2: "Probably Damaging"; Align-GVGD: "Class C0"). This variant has not been reported in the literature in individuals with RYR1-related disease. This variant is not present in population databases (ExAC no frequency). This sequence change replaces isoleucine with phenylalanine at codon 620 of the RYR1 protein (p.Ile620Phe). The isoleucine residue is highly conserved and there is a small physicochemical difference between isoleucine and phenylalanine.